The following is an entry in ClinVar:

ClinVar aggregate classification (germline): Uncertain significance (1 of 4 stars; one submission).

Conditions:
Hereditary cancer-predisposing syndrome. Also called: Neoplastic Syndromes, Hereditary; Tumor predisposition; Hereditary Cancer Syndrome; Hereditary neoplastic syndrome. Identifiers: Orphanet 140162, MedGen C0027672, MeSH D009386, MONDO:0015356.

Submission:

Ambry Genetics
Classification: Uncertain significance for Hereditary cancer-predisposing syndrome. Last evaluated: 2021-04-14. Review status: criteria provided, single submitter. Criteria: Ambry Variant Classification Scheme 2023. Collection method: clinical testing. Allele origin: germline.
Comment: The p.E690G variant (also known as c.2069A>G), located in coding exon 18 of the MRE11A gene, results from an A to G substitution at nucleotide position 2069. The glutamic acid at codon 690 is replaced by glycine, an amino acid with similar properties. This amino acid position is highly conserved in available vertebrate species. In addition, the in silico prediction for this alteration is inconclusive. Since supporting evidence is limited at this time, the clinical significance of this alteration remains unclear.

NM_005591.4(MRE11):c.2069A>G (p.Glu690Gly)

Gene: MRE11 (MRE11 double strand break repair nuclease; minus strand). Cytogenetic location: 11q21.
Variant type: single nucleotide variant.
Coding change: c.2069A>G on transcript NM_005591.4 (MANE Select); coding-DNA position 2069, A replaced by G.
Protein change: p.Glu690Gly; replaces glutamic acid 690 with glycine.
Molecular consequence: missense variant.
Genome position (GRCh38, 1-based): chr11:94,429,912, T>C on the plus strand (A>G on the coding strand, the complement: MRE11 is on the minus strand). VCF-style: chr11-94429912-T-C. GRCh37 (hg19) VCF-style: chr11-94163078-T-C.
Other names: c.2066A>G, p.Glu689Gly (NM_001330347.2); c.1985A>G, p.Glu662Gly (NM_005590.4); short protein forms E662G, E689G, E690G.
Identifiers: ClinVar variation 1799882 (VCV001799882.2), dbSNP rs2496164946, ClinGen allele CA382373429.